The following is an entry in ClinVar:

ClinVar aggregate classification (germline): Uncertain significance. Review status: criteria provided, single submitter (1 of 4 stars). 2 submissions from 2 submitters: Uncertain significance (1). 1 of the submissions does not count toward it. Last evaluated 2025-02-07.

Allele frequency attached by ClinVar (database versions not stated): TOPMed 0.00056; 1000 Genomes Project 0.00040; ESP Exome Variant Server 0.00069; 1000 Genomes Project 30x 0.00031.
gnomAD v4.1: 204 of 1,614,188 alleles (0.013%); highest among the groups gnomAD compares: African/African-American, 0.18%; 1 homozygote.

Submissions (2):

GeneDx
Classification: Uncertain significance. Last evaluated: 2025-02-07. Review status: criteria provided, single submitter. Criteria: GeneDx Variant Classification Process June 2021. Collection method: clinical testing. Allele origin: germline. Affected: yes.
Comment: In silico analysis indicates that this missense variant does not alter protein structure/function; Has not been previously published as pathogenic or benign to our knowledge

ITMI
No classification provided. Condition: AllHighlyPenetrant. Last evaluated: 2013-09-19. Review status: no classification provided. Collection method: reference population. Allele origin: germline. Not counted in ClinVar's aggregate classification.
Comment: Please see associated publication for description of ethnicities

Literature cited by the submitters: PubMed 24728327 (cited by ITMI).

NM_005631.5(SMO):c.2227C>A (p.Pro743Thr)

Gene: SMO (smoothened, frizzled class receptor; plus strand). Cytogenetic location: 7q32.1.
Variant type: single nucleotide variant.
Coding change: c.2227C>A on transcript NM_005631.5 (MANE Select); coding-DNA position 2227, C replaced by A.
Protein change: p.Pro743Thr; replaces proline 743 with threonine.
Molecular consequence: missense variant.
Genome position (GRCh38, 1-based): chr7:129,212,314, C>A. VCF-style: chr7-129212314-C-A. GRCh37 (hg19) VCF-style: chr7-128852155-C-A.
Other names: c.2227C>A (NM_005631.4); c.2227C>A, p.Pro743Thr (LRG_1393t1); short protein forms P743T.
Identifiers: ClinVar variation 135261 (VCV000135261.2), dbSNP rs112783338, ClinGen allele CA162168.